The following is an entry in ClinVar:

ClinVar aggregate classification (germline): Uncertain significance (1 of 4 stars; one submission).

Conditions:
Developmental and epileptic encephalopathy, 27 (DEE27). Also called: Epileptic encephalopathy, early infantile, 27; GRIN2B-Related Neurodevelopmental Disorder. Identifiers: Orphanet 3451, MedGen C4015316, MONDO:0014505, OMIM 616139.
Intellectual developmental disorder, autosomal dominant 6, with or without seizures. Also called: Intellectual disability, autosomal dominant 6; GRIN2B-related developmental delay, intellectual disability and autism spectrum disorder. Identifiers: Orphanet 589547, MedGen C3151411, MONDO:0013509, OMIM 613970.

Submission:

Labcorp Genetics (formerly Invitae), Labcorp
Classification: Uncertain significance for Developmental and epileptic encephalopathy, 27; Intellectual developmental disorder, autosomal dominant 6, with or without seizures. Last evaluated: 2025-10-24. Review status: criteria provided, single submitter. Criteria: Invitae Variant Classification Sherloc (09022015). Collection method: clinical testing. Allele origin: germline.
Comment: This sequence change replaces histidine, which is basic and polar, with glutamine, which is neutral and polar, at codon 311 of the GRIN2B protein (p.His311Gln). This variant is not present in population databases (gnomAD no frequency). This variant has not been reported in the literature in individuals affected with GRIN2B-related conditions. Invitae Evidence Modeling of protein sequence and biophysical properties (such as structural, functional, and spatial information, amino acid conservation, physicochemical variation, residue mobility, and thermodynamic stability) indicates that this missense variant is not expected to disrupt GRIN2B protein function with a negative predictive value of 95%. In summary, the available evidence is currently insufficient to determine the role of this variant in disease. Therefore, it has been classified as a Variant of Uncertain Significance.

NM_000834.5(GRIN2B):c.933C>G (p.His311Gln)

Gene: GRIN2B (glutamate ionotropic receptor NMDA type subunit 2B; minus strand). Cytogenetic location: 12p13.1.
Variant type: single nucleotide variant.
Coding change: c.933C>G on transcript NM_000834.5 (MANE Select); coding-DNA position 933, C replaced by G.
Protein change: p.His311Gln; replaces histidine 311 with glutamine.
Molecular consequence: missense variant.
Genome position (GRCh38, 1-based): chr12:13,753,394, G>C on the plus strand (C>G on the coding strand, the complement: GRIN2B is on the minus strand). VCF-style: chr12-13753394-G-C. GRCh37 (hg19) VCF-style: chr12-13906328-G-C.
Other names: c.933C>G, p.His311Gln (NM_001413992.1, NM_001413993.1, NM_001413994.1 and 1 more transcripts); short protein forms H311Q.
Identifiers: ClinVar variation 4789477 (VCV004789477.1).